The following is an entry in ClinVar:

ClinVar aggregate classification (germline): Uncertain significance (1 of 4 stars; one submission).

Allele frequency attached by ClinVar (database versions not stated): ExAC 0.00002; gnomAD 0.00002; ESP Exome Variant Server 0.00008.
gnomAD v4.1: 6 of 1,614,056 alleles (0.00037%); highest among the groups gnomAD compares: African/African-American, 0.0067%; no homozygotes.

Submission:

Labcorp Genetics (formerly Invitae), Labcorp
Classification: Uncertain significance. Last evaluated: 2022-06-30. Review status: criteria provided, single submitter. Criteria: Invitae Variant Classification Sherloc (09022015). Collection method: clinical testing. Allele origin: germline.
Comment: This sequence change replaces valine, which is neutral and non-polar, with leucine, which is neutral and non-polar, at codon 309 of the INPPL1 protein (p.Val309Leu). This variant is present in population databases (rs373511105, gnomAD 0.02%). This variant has not been reported in the literature in individuals affected with INPPL1-related conditions. ClinVar contains an entry for this variant (Variation ID: 1405647). Algorithms developed to predict the effect of missense changes on protein structure and function (SIFT, PolyPhen-2, Align-GVGD) all suggest that this variant is likely to be tolerated. In summary, the available evidence is currently insufficient to determine the role of this variant in disease. Therefore, it has been classified as a Variant of Uncertain Significance.

NM_001567.4(INPPL1):c.925G>T (p.Val309Leu)

Gene: INPPL1 (inositol polyphosphate phosphatase like 1; plus strand). Cytogenetic location: 11q13.4.
Variant type: single nucleotide variant.
Coding change: c.925G>T on transcript NM_001567.4 (MANE Select); coding-DNA position 925, G replaced by T.
Protein change: p.Val309Leu; replaces valine 309 with leucine.
Molecular consequence: missense variant.
Genome position (GRCh38, 1-based): chr11:72,230,005, G>T. VCF-style: chr11-72230005-G-T. GRCh37 (hg19) VCF-style: chr11-71941049-G-T.
Other names: short protein forms V309L.
Identifiers: ClinVar variation 1405647 (VCV001405647.3), dbSNP rs373511105, ClinGen allele CA6169836.